The following is an entry in ClinVar:

NM_001013703.4(EIF2AK4):c.4427G>A (p.Arg1476His)

Gene: EIF2AK4 (eukaryotic translation initiation factor 2 alpha kinase 4; plus strand). Cytogenetic location: 15q15.1.
Variant type: single nucleotide variant.
Coding change: c.4427G>A on transcript NM_001013703.4 (MANE Select); coding-DNA position 4427, G replaced by A.
Protein change: p.Arg1476His; replaces arginine 1476 with histidine.
Molecular consequence: missense variant.
Genome position (GRCh38, 1-based): chr15:40,026,014, G>A. VCF-style: chr15-40026014-G-A. GRCh37 (hg19) VCF-style: chr15-40318215-G-A.
Other names: short protein forms R1476H.
Identifiers: ClinVar variation 1424300 (VCV001424300.8), dbSNP rs1371975817, ClinGen allele CA391680237.

ClinVar aggregate classification (germline): Uncertain significance (1 of 4 stars; one submission).

Allele frequency attached by ClinVar (database versions not stated): gnomAD exomes below 0.00001; TOPMed 0.00001.
gnomAD v4.1: 3 of 1,614,134 alleles (0.00019%); highest among the groups gnomAD compares: East Asian, 0.0022%; no homozygotes.

Submission:

Labcorp Genetics (formerly Invitae), Labcorp
Classification: Uncertain significance. Last evaluated: 2021-06-08. Review status: criteria provided, single submitter. Criteria: Invitae Variant Classification Sherloc (09022015). Collection method: clinical testing. Allele origin: germline.
Comment: In summary, the available evidence is currently insufficient to determine the role of this variant in disease. Therefore, it has been classified as a Variant of Uncertain Significance. Advanced modeling of protein sequence and biophysical properties (such as structural, functional, and spatial information, amino acid conservation, physicochemical variation, residue mobility, and thermodynamic stability) performed at Invitae indicates that this missense variant is not expected to disrupt EIF2AK4 protein function. This variant has not been reported in the literature in individuals with EIF2AK4-related conditions. This variant is not present in population databases (ExAC no frequency). This sequence change replaces arginine with histidine at codon 1476 of the EIF2AK4 protein (p.Arg1476His). The arginine residue is moderately conserved and there is a small physicochemical difference between arginine and histidine.